The following is an entry in ClinVar:

NM_002693.3(POLG):c.2426+1G>A

Gene: POLG (DNA polymerase gamma, catalytic subunit; minus strand). Cytogenetic location: 15q26.1.
Variant type: single nucleotide variant.
Coding change: c.2426+1G>A on transcript NM_002693.3 (MANE Select); the canonical splice donor site of the intron after coding-DNA position 2426, G replaced by A.
Molecular consequence: splice donor variant.
Genome position (GRCh38, 1-based): chr15:89,322,741, C>T on the plus strand (G>A on the coding strand, the complement: POLG is on the minus strand). VCF-style: chr15-89322741-C-T. GRCh37 (hg19) VCF-style: chr15-89865972-C-T.
Other names: c.2426+1G>A (NM_001126131.2).
Identifiers: ClinVar variation 2693190 (VCV002693190.3), dbSNP rs1567187745, ClinGen allele CA393756156.

ClinVar aggregate classification (germline): Likely pathogenic (1 of 4 stars; one submission).

Conditions:
Progressive sclerosing poliodystrophy (MTDPS4A). Also called: ALPERS PROGRESSIVE INFANTILE POLIODYSTROPHY; NEURONAL DEGENERATION OF CHILDHOOD WITH LIVER DISEASE, PROGRESSIVE; Mitochondrial DNA depletion syndrome 4A (Alpers type); Mitochondrial DNA Depletion Syndrome 4A; Alpers-Huttenlocher Syndrome (AHS); Alpers Syndrome. Identifiers: Orphanet 726, MedGen C0205710, MONDO:0008758, OMIM 203700.

Submission:

Labcorp Genetics (formerly Invitae), Labcorp
Classification: Likely pathogenic for Progressive sclerosing poliodystrophy. Last evaluated: 2023-11-04. Review status: criteria provided, single submitter. Criteria: Invitae Variant Classification Sherloc (09022015). Collection method: clinical testing. Allele origin: germline.
Comment: This sequence change affects a donor splice site in intron 14 of the POLG gene. It is expected to disrupt RNA splicing. Variants that disrupt the donor or acceptor splice site typically lead to a loss of protein function (PMID: 16199547), and loss-of-function variants in POLG are known to be pathogenic (PMID: 18546365). This variant is not present in population databases (gnomAD no frequency). This variant has not been reported in the literature in individuals affected with POLG-related conditions. Algorithms developed to predict the effect of sequence changes on RNA splicing suggest that this variant may disrupt the consensus splice site. In summary, the currently available evidence indicates that the variant is pathogenic, but additional data are needed to prove that conclusively. Therefore, this variant has been classified as Likely Pathogenic.

Literature cited by the submitters: PubMed 16199547; PubMed 18546365.